The following is an entry in ClinVar:

NM_020921.4(NIN):c.2731G>A (p.Glu911Lys)

Gene: NIN (ninein; minus strand). Cytogenetic location: 14q22.1.
Variant type: single nucleotide variant.
Coding change: c.2731G>A on transcript NM_020921.4 (MANE Select); coding-DNA position 2731, G replaced by A.
Protein change: p.Glu911Lys; replaces glutamic acid 911 with lysine.
Molecular consequence: missense variant. On other transcripts: intron variant (1).
Genome position (GRCh38, 1-based): chr14:50,758,299, C>T on the plus strand (G>A on the coding strand, the complement: NIN is on the minus strand). VCF-style: chr14-50758299-C-T. GRCh37 (hg19) VCF-style: chr14-51225017-C-T.
Other names: c.2731G>A, p.Glu911Lys (NM_182944.3, NM_182946.2); c.2399+1558G>A (NM_016350.5); short protein forms E911K.
Identifiers: ClinVar variation 4750895 (VCV004750895.1).

ClinVar aggregate classification (germline): Uncertain significance (1 of 4 stars; one submission).

gnomAD v4.1: 19 of 1,614,212 alleles (0.0012%); highest among the groups gnomAD compares: Middle Eastern, 0.017%; no homozygotes.

Submission:

Labcorp Genetics (formerly Invitae), Labcorp
Classification: Uncertain significance. Last evaluated: 2025-02-20. Review status: criteria provided, single submitter. Criteria: Invitae Variant Classification Sherloc (09022015). Collection method: clinical testing. Allele origin: germline.
Comment: This sequence change replaces glutamic acid, which is acidic and polar, with lysine, which is basic and polar, at codon 911 of the NIN protein (p.Glu911Lys). This variant is present in population databases (rs773917916, gnomAD 0.004%). This variant has not been reported in the literature in individuals affected with NIN-related conditions. An algorithm developed to predict the effect of missense changes on protein structure and function (PolyPhen-2) suggests that this variant is likely to be disruptive. In summary, the available evidence is currently insufficient to determine the role of this variant in disease. Therefore, it has been classified as a Variant of Uncertain Significance.